The following is an entry in ClinVar:

NM_016006.6(ABHD5):c.*2463A>G

Gene: ABHD5 (abhydrolase domain containing 5, lysophosphatidic acid acyltransferase; plus strand). Cytogenetic location: 3p21.33.
Variant type: single nucleotide variant.
Coding change: c.*2463A>G on transcript NM_016006.6 (MANE Select); 2463 bases downstream of the stop codon, A replaced by G.
Molecular consequence: 3 prime UTR variant. On other transcripts: non-coding transcript variant (1), intron variant (1).
Genome position (GRCh38, 1-based): chr3:43,720,995, A>G. VCF-style: chr3-43720995-A-G. GRCh37 (hg19) VCF-style: chr3-43762487-A-G.
Other names: NC_000003.11:g.43762487A>G; c.*2463A>G (NM_001365649.1); c.*2489A>G (NM_001365650.1); c.29+2434A>G (NM_001355186.2).
Identifiers: ClinVar variation 345263 (VCV000345263.6), dbSNP rs76200032, ClinGen allele CA10616500.

ClinVar aggregate classification (germline): Benign (1 of 4 stars; one submission).

Conditions:
Triglyceride storage disease with ichthyosis (CDS). Also called: Chanarin-Dorfman Syndrome; Dorfman-Chanarin disease; ICHTHYOSIFORM ERYTHRODERMA WITH LEUKOCYTE VACUOLATION; TRIGLYCERIDE STORAGE DISEASE WITH IMPAIRED LONG-CHAIN FATTY ACID OXIDATION. Identifiers: Orphanet 98907, MedGen C0268238, MONDO:0010155, OMIM 275630.

Allele frequency attached by ClinVar (database versions not stated): 1000 Genomes Project 0.00919; gnomAD 0.00922; TOPMed 0.00993; 1000 Genomes Project 30x 0.01015.

Submissions (2):

Illumina Laboratory Services, Illumina
Classification: Benign for Triglyceride storage disease with ichthyosis. Last evaluated: 2018-01-13. Review status: criteria provided, single submitter. Criteria: ICSL Variant Classification Criteria 13 December 2019. Collection method: clinical testing. Allele origin: germline.
Comment: This variant was observed in the ICSL laboratory as part of a predisposition screen in an ostensibly healthy population. It had not been previously curated by ICSL or reported in the Human Gene Mutation Database (HGMD: prior to June 1st, 2018), and was therefore a candidate for classification through an automated scoring system. Utilizing variant allele frequency, disease prevalence and penetrance estimates, and inheritance mode, an automated score was calculated to assess if this variant is too frequent to cause the disease. Based on the score and internal cut-off values, a variant classified as benign is not then subjected to further curation. The score for this variant resulted in a classification of benign for this disease.

Dr. Peter K. Rogan Lab, Western University
No classification provided (evidence only). Condition: Ovarian serous cystadenocarcinoma. Review status: no classification provided. Collection method: in vitro. Allele origin: not applicable. Functional consequence: retained intron. Not counted in ClinVar's aggregate classification.